The following is an entry in ClinVar:

NM_000245.4(MET):c.600C>G (p.Thr200=)

Gene: MET (MET proto-oncogene, receptor tyrosine kinase; plus strand). Cytogenetic location: 7q31.2.
Variant type: single nucleotide variant.
Coding change: c.600C>G on transcript NM_000245.4 (MANE Select); coding-DNA position 600, C replaced by G.
Protein change: p.Thr200=; no amino-acid change (threonine 200 retained).
Molecular consequence: synonymous variant. On other transcripts: intron variant (1).
Genome position (GRCh38, 1-based): chr7:116,699,684, C>G. VCF-style: chr7-116699684-C-G. GRCh37 (hg19) VCF-style: chr7-116339738-C-G.
Other names: c.600C>G, p.Thr200= (NM_001127500.3, NM_001324401.3); c.-91+27107C>G (NM_001324402.2).
Identifiers: ClinVar variation 702358 (VCV000702358.21), dbSNP rs1225303075, ClinGen allele CA457447791.

ClinVar aggregate classification (germline): Conflicting classifications of pathogenicity. Review status: criteria provided, conflicting classifications (1 of 4 stars). 6 submissions from 6 submitters: Uncertain significance (1); Benign (1); Likely benign (4). Last evaluated 2026-02-02.

Conditions:
Hereditary cancer-predisposing syndrome. Also called: Hereditary Cancer Syndrome; Tumor predisposition; Neoplastic Syndromes, Hereditary; Hereditary neoplastic syndrome. Identifiers: Orphanet 140162, MedGen C0027672, MeSH D009386, MONDO:0015356.
Papillary renal cell carcinoma type 1 (RCCP1). Also called: RENAL CELL CARCINOMA, PAPILLARY, 1, SOMATIC; Renal adenocarcinoma; Renal cell carcinoma 1; Renal cell carcinoma, somatic. Identifiers: Orphanet 47044, MedGen C1336839, OMIM 605074, HP:0011797.
Renal cell carcinoma. Identifiers: Orphanet 217071, MedGen C0007134, MeSH D002292, MONDO:0005086, HP:0005584.

Allele frequency attached by ClinVar (database versions not stated): gnomAD 0.00001; gnomAD exomes 0.00001 and 0.00002; TOPMed 0.00002.
gnomAD v4.1: 23 of 1,613,842 alleles (0.0014%); highest among the groups gnomAD compares: Admixed American, 0.0083%; no homozygotes.

Submissions (6):

Labcorp Genetics (formerly Invitae), Labcorp
Classification: Likely benign for Renal cell carcinoma. Last evaluated: 2026-02-02. Review status: criteria provided, single submitter. Criteria: Invitae Variant Classification Sherloc (09022015). Collection method: clinical testing. Allele origin: germline.

Center for Genomic Medicine, Rigshospitalet, Copenhagen University Hospital
Classification: Likely benign. Last evaluated: 2025-12-29. Review status: criteria provided, single submitter. Criteria: ACMG Guidelines, 2015. Collection method: clinical testing. Allele origin: germline.

Myriad Genetics, Inc.
Classification: Benign for Papillary renal cell carcinoma type 1. Last evaluated: 2024-11-06. Review status: criteria provided, single submitter. Criteria: Myriad Autosomal Dominant, Autosomal Recessive and X-Linked Classification Criteria (2023). Collection method: clinical testing. Allele origin: unknown.
Comment: This variant is considered benign. This variant is a silent/synonymous amino acid change and it is not expected to impact splicing.

GeneDx
Classification: Likely benign. Last evaluated: 2021-01-22. Review status: criteria provided, single submitter. Criteria: GeneDx Variant Classification Process June 2021. Collection method: clinical testing. Allele origin: germline. Affected: yes.

Illumina Laboratory Services, Illumina
Classification: Uncertain significance for Papillary renal cell carcinoma type 1. Last evaluated: 2018-02-02. Review status: criteria provided, single submitter. Criteria: ICSL Variant Classification Criteria 13 December 2019. Collection method: clinical testing. Allele origin: germline.

Ambry Genetics
Classification: Likely benign for Hereditary cancer-predisposing syndrome. Last evaluated: 2016-11-08. Review status: criteria provided, single submitter. Criteria: Ambry Variant Classification Scheme 2023. Collection method: clinical testing. Allele origin: germline.